The following is an entry in ClinVar:

Conditions:
Long QT syndrome 5 (LQT5). Identifiers: Orphanet 101016, Orphanet 768, MedGen C1867904, MONDO:0013372, OMIM 613695.

Submission:

Roden Lab, Vanderbilt University Medical Center
No classification provided (evidence only). Condition: Long QT syndrome 5. Review status: no classification provided. Collection method: in vitro. Allele origin: not applicable. Functional consequence: Effect on ion channel function.
ClinVar note: "not provided" was previously submitted as the classification for the variant. However, the classification appeared to be based only on an observation of functional data so it was converted to no classification on 2025-07-30.

NM_000219.6(KCNE1):c.47T>C (p.Leu16Pro)

Gene: KCNE1 (potassium voltage-gated channel subfamily E regulatory subunit 1; minus strand). Cytogenetic location: 21q22.12.
Variant type: single nucleotide variant.
Coding change: c.47T>C on transcript NM_000219.6 (MANE Select); coding-DNA position 47, T replaced by C.
Protein change: p.Leu16Pro; replaces leucine 16 with proline.
Molecular consequence: missense variant.
Genome position (GRCh38, 1-based): chr21:34,449,588, A>G on the plus strand (T>C on the coding strand, the complement: KCNE1 is on the minus strand). VCF-style: chr21-34449588-A-G. GRCh37 (hg19) VCF-style: chr21-35821886-A-G.
Other names: c.47T>C, p.Leu16Pro (NM_001127668.4, NM_001127669.4, NM_001127670.4 and 4 more transcripts); short protein forms L16P.
Identifiers: ClinVar variation 3373902 (VCV003373902.2).